The following is an entry in ClinVar:

NM_000497.4(CYP11B1):c.546_552del (p.Ser183fs)

Genes: CYP11B1 (cytochrome P450 family 11 subfamily B member 1; minus strand), LOC106799833 (CYP11B1 recombination region; plus strand). Cytogenetic location: 8q24.3.
Variant type: Deletion.
Coding change: c.546_552del on transcript NM_000497.4 (MANE Select); coding-DNA positions 546 to 552, 7 bases deleted (GAGCCTG; older notation c.546_552delGAGCCTG).
Protein change: p.Ser183fs; shifts the reading frame from serine 183.
Molecular consequence: frameshift variant.
Genome position (GRCh38, 1-based): chr8:142,877,066-142,877,072, CAGGCTC deleted on the plus strand (GAGCCTG on the coding strand, the reverse complement: CYP11B1 is on the minus strand); deleting any 7 consecutive bases within chr8:142,877,066-142,877,073 gives the same sequence; the c. name uses the placement nearest the transcript's 3' end. VCF-style (leftmost placement, unchanged base first): chr8-142877065-TCAGGCTC-T. GRCh37 (hg19) VCF-style: chr8-143958481-TCAGGCTC-T.
Other names: c.546_552del, p.Ser183fs (NM_001026213.1); short protein forms S183fs.
Identifiers: ClinVar variation 951304 (VCV000951304.8), dbSNP rs1816980417, ClinGen allele CA1139660804.

ClinVar aggregate classification (germline): Pathogenic/Likely pathogenic. Review status: criteria provided, multiple submitters, no conflicts (2 of 4 stars). 2 submissions from 2 submitters: Pathogenic (1); Likely pathogenic (1). Last evaluated 2024-04-18.

Conditions:
Deficiency of steroid 11-beta-monooxygenase (CYP11B1). Also called: STEROID 11-BETA-HYDROXYLASE DEFICIENCY; Congenital adrenal hyperplasia due to 11-beta-hydroxylase deficiency; P450C11B1 DEFICIENCY; ADRENAL HYPERPLASIA, CONGENITAL, DUE TO STEROID 11-BETA-HYDROXYLASE DEFICIENCY; 11-BETA-HYDROXYLASE DEFICIENCY; ADRENAL HYPERPLASIA IV. Identifiers: Orphanet 90795, MedGen C0268292, MONDO:0008729, OMIM 202010. Disease mechanism: loss of function.
Glucocorticoid-remediable aldosteronism. Also called: GLUCOCORTICOID-SUPPRESSIBLE HYPERALDOSTERONISM; Hyperaldosteronism, familial, type I; ALDOSTERONISM, SENSITIVE TO DEXAMETHASONE; ACTH-DEPENDENT HYPERALDOSTERONISM SYNDROME; FH I. Identifiers: Orphanet 403, MedGen C3838731, MONDO:0007080, OMIM 103900.

Submissions (2):

Fulgent Genetics
Classification: Likely pathogenic for Glucocorticoid-remediable aldosteronism; Deficiency of steroid 11-beta-monooxygenase. Last evaluated: 2024-04-18. Review status: criteria provided, single submitter. Criteria: ACMG Guidelines, 2015. Collection method: clinical testing. Allele origin: germline.

Labcorp Genetics (formerly Invitae), Labcorp
Classification: Pathogenic. Last evaluated: 2022-11-29. Review status: criteria provided, single submitter. Criteria: Invitae Variant Classification Sherloc (09022015). Collection method: clinical testing. Allele origin: germline.
Comment: ClinVar contains an entry for this variant (Variation ID: 951304). This variant has not been reported in the literature in individuals affected with CYP11B1-related conditions. This variant is not present in population databases (gnomAD no frequency). This sequence change creates a premature translational stop signal (p.Ser183Profs*13) in the CYP11B1 gene. It is expected to result in an absent or disrupted protein product. Loss-of-function variants in CYP11B1 are known to be pathogenic (PMID: 8506298, 26476331). For these reasons, this variant has been classified as Pathogenic.

Literature cited by the submitters: PubMed 8506298 (cited by Labcorp Genetics (formerly Invitae), Labcorp); PubMed 26476331 (cited by Labcorp Genetics (formerly Invitae), Labcorp).